The following is an entry in ClinVar:

ClinVar aggregate classification (germline): Uncertain significance. Review status: criteria provided, multiple submitters, no conflicts (2 of 4 stars). 3 submissions from 3 submitters: Uncertain significance (3). Last evaluated 2026-01-12.

Conditions:
Infantile cerebellar-retinal degeneration (ICRD). Identifiers: Orphanet 313850, MedGen C3281192, MONDO:0013802, OMIM 614559.

Allele frequency attached by ClinVar (database versions not stated): gnomAD 0.00003 and 0.00004; gnomAD exomes 0.00004 and 0.00009; ExAC 0.00005; TOPMed 0.00009.

Submissions (3):

Labcorp Genetics (formerly Invitae), Labcorp
Classification: Uncertain significance. Last evaluated: 2026-01-12. Review status: criteria provided, single submitter. Criteria: Invitae Variant Classification Sherloc (09022015). Collection method: clinical testing. Allele origin: germline.
Comment: This sequence change replaces isoleucine, which is neutral and non-polar, with threonine, which is neutral and polar, at codon 82 of the ACO2 protein (p.Ile82Thr). This variant is present in population databases (rs200692540, gnomAD 0.05%). This missense change has been observed in individual(s) with syndromic optic neuropathy and hearing loss (PMID: 28559085). ClinVar contains an entry for this variant (Variation ID: 844771). Invitae Evidence Modeling of protein sequence and biophysical properties (such as structural, functional, and spatial information, amino acid conservation, physicochemical variation, residue mobility, and thermodynamic stability) indicates that this missense variant is not expected to disrupt ACO2 protein function with a negative predictive value of 80%. In summary, the available evidence is currently insufficient to determine the role of this variant in disease. Therefore, it has been classified as a Variant of Uncertain Significance.

Blueprint Genetics
Classification: Uncertain significance. Last evaluated: 2023-06-14. Review status: criteria provided, single submitter. Criteria: ACMG Guidelines, 2015. Collection method: clinical testing. Allele origin: germline.

Baylor Genetics
Classification: Uncertain significance for Infantile cerebellar-retinal degeneration. Last evaluated: 2018-07-30. Review status: criteria provided, single submitter. Criteria: ACMG Guidelines, 2015. Collection method: clinical testing. Allele origin: maternal. Affected: yes.
Comment: This variant was determined to be of uncertain significance according to ACMG Guidelines, 2015 [PMID:25741868].

Literature cited by the submitters: PubMed 28559085 (cited by Labcorp Genetics (formerly Invitae), Labcorp).

NM_001098.3(ACO2):c.245T>C (p.Ile82Thr)

Gene: ACO2 (aconitase 2; plus strand). Cytogenetic location: 22q13.2.
Variant type: single nucleotide variant.
Coding change: c.245T>C on transcript NM_001098.3 (MANE Select); coding-DNA position 245, T replaced by C.
Protein change: p.Ile82Thr; replaces isoleucine 82 with threonine.
Molecular consequence: missense variant.
Genome position (GRCh38, 1-based): chr22:41,507,862, T>C. VCF-style: chr22-41507862-T-C. GRCh37 (hg19) VCF-style: chr22-41903866-T-C.
Other names: short protein forms I82T.
Identifiers: ClinVar variation 844771 (VCV000844771.9), dbSNP rs200692540, ClinGen allele CA10257320.
Genomic context (GRCh38, chr22:41,507,862, plus strand): 5'-CGCTGACACTCTCGGAGAAGATTGTGTATGGACACCTGGATGACCCCGCCAGCCAGGAAA[T>C]TGAGCGAGGCAAGTCGTACCTGCGGCTGCGGCCGGACCGTGTGGCCATGCAGGATGCGAC-3'
Protein context (NP_001089.1, residues 72-92): GHLDDPASQE[Ile82Thr]ERGKSYLRLR